The following is an entry in ClinVar:

NM_001291303.3(FAT4):c.11005G>C (p.Asp3669His)

Gene: FAT4 (FAT atypical cadherin 4; plus strand). Cytogenetic location: 4q28.1.
Variant type: single nucleotide variant.
Coding change: c.11005G>C on transcript NM_001291303.3 (MANE Select); coding-DNA position 11005, G replaced by C.
Protein change: p.Asp3669His; replaces aspartic acid 3669 with histidine.
Molecular consequence: missense variant.
Genome position (GRCh38, 1-based): chr4:125,452,015, G>C. VCF-style: chr4-125452015-G-C. GRCh37 (hg19) VCF-style: chr4-126373170-G-C.
Other names: c.11005G>C, p.Asp3669His (NM_001291285.3); c.10999G>C, p.Asp3667His (NM_024582.6); short protein forms D3669H, D3667H.
Identifiers: ClinVar variation 1461888 (VCV001461888.8), dbSNP rs2126061545, ClinGen allele CA358160572.

ClinVar aggregate classification (germline): Uncertain significance (1 of 4 stars; one submission).

Submission:

Labcorp Genetics (formerly Invitae), Labcorp
Classification: Uncertain significance. Last evaluated: 2022-09-07. Review status: criteria provided, single submitter. Criteria: Invitae Variant Classification Sherloc (09022015). Collection method: clinical testing. Allele origin: germline.
Comment: This variant has not been reported in the literature in individuals affected with FAT4-related conditions. ClinVar contains an entry for this variant (Variation ID: 1461888). Advanced modeling of protein sequence and biophysical properties (such as structural, functional, and spatial information, amino acid conservation, physicochemical variation, residue mobility, and thermodynamic stability) performed at Invitae indicates that this missense variant is not expected to disrupt FAT4 protein function. In summary, the available evidence is currently insufficient to determine the role of this variant in disease. Therefore, it has been classified as a Variant of Uncertain Significance. This variant is not present in population databases (gnomAD no frequency). This sequence change replaces aspartic acid, which is acidic and polar, with histidine, which is basic and polar, at codon 3667 of the FAT4 protein (p.Asp3667His).